The following is an entry in ClinVar:

NM_001368397.1(FRMPD4):c.1061A>G (p.Lys354Arg)

Gene: FRMPD4 (FERM and PDZ domain containing 4; plus strand). Cytogenetic location: Xp22.2.
Variant type: single nucleotide variant.
Coding change: c.1061A>G on transcript NM_001368397.1 (MANE Select); coding-DNA position 1061, A replaced by G.
Protein change: p.Lys354Arg; replaces lysine 354 with arginine.
Molecular consequence: missense variant.
Genome position (GRCh38, 1-based): chrX:12,702,001, A>G. VCF-style: chrX-12702001-A-G. GRCh37 (hg19) VCF-style: chrX-12720120-A-G.
Other names: c.1172A>G, p.Lys391Arg (NM_001368395.3, NM_001368398.3); c.1067A>G, p.Lys356Arg (NM_001368396.3); c.1052A>G, p.Lys351Arg (NM_001368399.3); c.941A>G, p.Lys314Arg (NM_001368400.3); c.1037A>G, p.Lys346Arg (NM_001368401.1, NM_001368402.3); c.1061A>G, p.Lys354Arg (NM_014728.3); short protein forms K354R, K346R, K351R, K391R, K314R, K356R.
Identifiers: ClinVar variation 624387 (VCV000624387.45), dbSNP rs940360052, ClinGen allele CA326104812.

ClinVar aggregate classification (germline): Uncertain significance. Review status: criteria provided, multiple submitters, no conflicts (2 of 4 stars). 2 submissions from 2 submitters: Uncertain significance (2). Last evaluated 2019-11-30.

Allele frequency attached by ClinVar (database versions not stated): gnomAD exomes 0.00001 and 0.00002; TOPMed 0.00001; gnomAD 0.00002.
gnomAD v4.1: 26 of 1,209,406 alleles (0.0021%); highest among the groups gnomAD compares: Non-Finnish European, 0.0027%; no homozygotes.

Submissions (2):

GeneDx
Classification: Uncertain significance. Last evaluated: 2019-11-30. Review status: criteria provided, single submitter. Criteria: GeneDx Variant Classification Process June 2021. Collection method: clinical testing. Allele origin: germline. Affected: yes.
Comment: In silico analysis, which includes protein predictors and evolutionary conservation, supports a deleterious effect; Has not been previously published as pathogenic or benign to our knowledge

CeGaT Center for Human Genetics Tuebingen
Classification: Uncertain significance. Last evaluated: 2018-07-01. Review status: criteria provided, single submitter. Criteria: CeGaT Center For Human Genetics Tuebingen Variant Classification Criteria Version 2. Collection method: clinical testing. Allele origin: germline. Affected: yes. Observed: 2 variant alleles.